The following is an entry in ClinVar:

NM_015559.3(SETBP1):c.4015C>T (p.His1339Tyr)

Gene: SETBP1 (SET binding protein 1; plus strand). Cytogenetic location: 18q12.3.
Variant type: single nucleotide variant.
Coding change: c.4015C>T on transcript NM_015559.3 (MANE Select); coding-DNA position 4015, C replaced by T.
Protein change: p.His1339Tyr; replaces histidine 1339 with tyrosine.
Molecular consequence: missense variant.
Genome position (GRCh38, 1-based): chr18:45,038,499, C>T. VCF-style: chr18-45038499-C-T. GRCh37 (hg19) VCF-style: chr18-42618464-C-T.
Other names: c.4015C>T, p.His1339Tyr (NM_001379141.1, NM_001379142.1); short protein forms H1339Y.
Identifiers: ClinVar variation 2094805 (VCV002094805.4), dbSNP rs2511319682, ClinGen allele CA402482333.

ClinVar aggregate classification (germline): Uncertain significance (1 of 4 stars; one submission).

Submission:

Labcorp Genetics (formerly Invitae), Labcorp
Classification: Uncertain significance. Last evaluated: 2023-10-09. Review status: criteria provided, single submitter. Criteria: Invitae Variant Classification Sherloc (09022015). Collection method: clinical testing. Allele origin: germline.
Comment: This sequence change replaces histidine, which is basic and polar, with tyrosine, which is neutral and polar, at codon 1339 of the SETBP1 protein (p.His1339Tyr). This variant is not present in population databases (gnomAD no frequency). This variant has not been reported in the literature in individuals affected with SETBP1-related conditions. ClinVar contains an entry for this variant (Variation ID: 2094805). Advanced modeling of protein sequence and biophysical properties (such as structural, functional, and spatial information, amino acid conservation, physicochemical variation, residue mobility, and thermodynamic stability) has been performed at Invitae for this missense variant, however the output from this modeling did not meet the statistical confidence thresholds required to predict the impact of this variant on SETBP1 protein function. In summary, the available evidence is currently insufficient to determine the role of this variant in disease. Therefore, it has been classified as a Variant of Uncertain Significance.